The following is an entry in ClinVar:

NM_000090.4(COL3A1):c.408C>G (p.Gly136=)

Gene: COL3A1 (collagen type III alpha 1 chain; plus strand). Cytogenetic location: 2q32.2.
Variant type: single nucleotide variant.
Coding change: c.408C>G on transcript NM_000090.4 (MANE Select); coding-DNA position 408, C replaced by G.
Protein change: p.Gly136=; no amino-acid change (glycine 136 retained).
Molecular consequence: synonymous variant.
Genome position (GRCh38, 1-based): chr2:188,985,739, C>G. VCF-style: chr2-188985739-C-G. GRCh37 (hg19) VCF-style: chr2-189850465-C-G.
Identifiers: ClinVar variation 380757 (VCV000380757.11), dbSNP rs762388691, ClinGen allele CA076447.
Genomic context (GRCh38, chr2:188,985,739, plus strand): 5'-TCCTGGGAGAAATGGTGACCCTGGTATTCCAGGACAACCAGGGTCCCCTGGTTCTCCTGG[C>G]CCCCCTGGAATCTGTGAATCATGCCCTACTGGTCCTCAGGTATAACAATTACGGTACTTA-3'
Protein context (NP_000081.2, residues 126-146): PGQPGSPGSP[Gly136=]PPGICESCPT

ClinVar aggregate classification (germline): Likely benign. Review status: criteria provided, multiple submitters, no conflicts (2 of 4 stars). 3 submissions from 3 submitters: Likely benign (3). Last evaluated 2025-09-27.

Conditions:
Ehlers-Danlos syndrome, type 4 (EDSVASC). Also called: Ehlers-Danlos Syndrome Type IV; Ehlers-Danlos syndrome vascular type; Ehlers Danlos syndrome, ecchymotic type; Ehlers Danlos syndrome, arterial type; Ehlers Danlos syndrome, Sack-Barabas type. Identifiers: Orphanet 286, MedGen C0268338, MONDO:0017314, OMIM 130050.

gnomAD v4.1: 2 of 1,611,274 alleles (0.00012%); highest among the groups gnomAD compares: East Asian, 0.0045%; no homozygotes.

Submissions (3):

Labcorp Genetics (formerly Invitae), Labcorp
Classification: Likely benign for Ehlers-Danlos syndrome, type 4. Last evaluated: 2025-09-27. Review status: criteria provided, single submitter. Criteria: Invitae Variant Classification Sherloc (09022015). Collection method: clinical testing. Allele origin: germline.

All of Us Research Program, National Institutes of Health
Classification: Likely benign for Ehlers-Danlos syndrome, type 4. Last evaluated: 2024-02-22. Review status: criteria provided, single submitter. Criteria: ACMG Guidelines, 2015. Collection method: clinical testing. Allele origin: germline. Inheritance: Autosomal dominant inheritance. Observed: 2 variant alleles, 2 heterozygotes.
Comment: This study involves interpretation of variants in research participants for the purpose of population health screening. Participant phenotype was not available at the time of variant classification. Additional details can be found in publication PMID: 35346344, PMCID: PMC8962531

GeneDx
Classification: Likely benign. Last evaluated: 2015-10-08. Review status: criteria provided, single submitter. Criteria: GeneDx Variant Classification (06012015). Collection method: clinical testing. Allele origin: germline. Affected: yes.
Comment: This variant is considered likely benign or benign based on one or more of the following criteria: it is a conservative change, it occurs at a poorly conserved position in the protein, it is predicted to be benign by multiple in silico algorithms, and/or has population frequency not consistent with disease.